The following is an entry in ClinVar:

ClinVar aggregate classification (germline): Pathogenic/Likely pathogenic. Review status: criteria provided, multiple submitters, no conflicts (2 of 4 stars). 3 submissions from 3 submitters: Pathogenic (1); Likely pathogenic (2). Last evaluated 2024-06-24.

Conditions:
Autosomal recessive limb-girdle muscular dystrophy type 2A (LGMDR1). Also called: MUSCULAR DYSTROPHY, PELVOFEMORAL; Limb-girdle muscular dystrophy, type 2A; Muscular dystrophy, limb-girdle, type 2A, Amish; LEYDEN-MOEBIUS MUSCULAR DYSTROPHY; Calpainopathy. Identifiers: Orphanet 267, MedGen C1869123, MONDO:0009675, OMIM 253600. Disease mechanism: loss of function.
Muscular dystrophy, limb-girdle, autosomal dominant 4. Also called: Calpain-3-related limb-girdle muscular dystrophy D4; MUSCULAR DYSTROPHY, LIMB-GIRDLE, TYPE 1I. Identifiers: Orphanet 565909, MedGen C4748295, MONDO:0029133, OMIM 618129.

Allele frequency attached by ClinVar (database versions not stated): gnomAD exomes below 0.00001 and 0.00001; TOPMed below 0.00001; ExAC 0.00001; gnomAD 0.00001.
gnomAD v4.1: 4 of 1,613,856 alleles (0.00025%); highest among the groups gnomAD compares: Non-Finnish European, 0.00034%; no homozygotes.

Submissions (3):

Labcorp Genetics (formerly Invitae), Labcorp
Classification: Pathogenic for Autosomal recessive limb-girdle muscular dystrophy type 2A. Last evaluated: 2024-06-24. Review status: criteria provided, single submitter. Criteria: Invitae Variant Classification Sherloc (09022015). Collection method: clinical testing. Allele origin: germline.
Comment: This sequence change replaces alanine, which is neutral and non-polar, with aspartic acid, which is acidic and polar, at codon 483 of the CAPN3 protein (p.Ala483Asp). This variant is present in population databases (rs781723572, gnomAD 0.002%). This missense change has been observed in individuals with clinical features of autosomal recessive limb-girdle muscular dystrophy (PMID: 15689361, 16141003; Invitae). ClinVar contains an entry for this variant (Variation ID: 661943). Advanced modeling of protein sequence and biophysical properties (such as structural, functional, and spatial information, amino acid conservation, physicochemical variation, residue mobility, and thermodynamic stability) performed at Invitae indicates that this missense variant is expected to disrupt CAPN3 protein function with a positive predictive value of 80%. For these reasons, this variant has been classified as Pathogenic.

Fulgent Genetics
Classification: Likely pathogenic for Autosomal recessive limb-girdle muscular dystrophy type 2A; Muscular dystrophy, limb-girdle, autosomal dominant 4. Last evaluated: 2024-03-01. Review status: criteria provided, single submitter. Criteria: ACMG Guidelines, 2015. Collection method: clinical testing. Allele origin: germline.

Kariminejad - Najmabadi Pathology & Genetics Center
Classification: Likely pathogenic for Autosomal recessive limb-girdle muscular dystrophy type 2A. Last evaluated: 2022-09-19. Review status: criteria provided, single submitter. Criteria: ACMG Guidelines, 2015. Collection method: clinical testing. Allele origin: germline. Inheritance: Autosomal recessive inheritance. Affected: yes.
Comment: PM1?-PM2-PP3-PP5?

Literature cited by the submitters: PubMed 15689361 (cited by Labcorp Genetics (formerly Invitae), Labcorp); PubMed 16141003 (cited by Labcorp Genetics (formerly Invitae), Labcorp).

NM_000070.3(CAPN3):c.1448C>A (p.Ala483Asp)

Gene: CAPN3 (calpain 3; plus strand). Cytogenetic location: 15q15.1.
Variant type: single nucleotide variant.
Coding change: c.1448C>A on transcript NM_000070.3 (MANE Select); coding-DNA position 1448, C replaced by A.
Protein change: p.Ala483Asp; replaces alanine 483 with aspartic acid.
Molecular consequence: missense variant.
Genome position (GRCh38, 1-based): chr15:42,401,734, C>A. VCF-style: chr15-42401734-C-A. GRCh37 (hg19) VCF-style: chr15-42693932-C-A.
Other names: c.1448C>A, p.Ala483Asp (NM_024344.2); c.1304C>A, p.Ala435Asp (NM_173087.2); short protein forms A435D, A483D.
Identifiers: ClinVar variation 661943 (VCV000661943.11), dbSNP rs781723572, ClinGen allele CA7511360.